The following is an entry in ClinVar:

ClinVar aggregate classification (germline): Benign/Likely benign. Review status: criteria provided, multiple submitters, no conflicts (2 of 4 stars). 7 submissions from 7 submitters: Benign (1); Likely benign (6). Last evaluated 2026-01-10.

Conditions:
Ehlers-Danlos syndrome (EDS). Identifiers: Orphanet 98249, MedGen C0013720, MONDO:0020066.
Familial thoracic aortic aneurysm and aortic dissection (TAAD). Also called: Thoracic aortic aneurysms and dissections. Identifiers: Orphanet 91387, MedGen C4707243, MONDO:0019625.
Congenital contractural arachnodactyly (CCA). Also called: BEALS SYNDROME; Beals-Hecht syndrome; Arthrogryposis, distal, type 9. Identifiers: Orphanet 115, MedGen C0220668, MONDO:0007363, OMIM 121050.

Allele frequency attached by ClinVar (database versions not stated): gnomAD 0.00009 and 0.00013; TOPMed 0.00013; ExAC 0.00021; gnomAD exomes 0.00025; 1000 Genomes Project 30x 0.00031; 1000 Genomes Project 0.00040.

Submissions (7):

Labcorp Genetics (formerly Invitae), Labcorp
Classification: Likely benign for Congenital contractural arachnodactyly. Last evaluated: 2026-01-10. Review status: criteria provided, single submitter. Criteria: Invitae Variant Classification Sherloc (09022015). Collection method: clinical testing. Allele origin: germline.

Women's Health and Genetics/Laboratory Corporation of America, LabCorp
Classification: Likely benign. Last evaluated: 2025-10-27. Review status: criteria provided, single submitter. Criteria: LabCorp Variant Classification Summary - May 2015. Collection method: clinical testing. Allele origin: germline.
Comment: Variant summary: FBN2 c.3655A>G (p.Met1219Val) results in a conservative amino acid change in the encoded protein sequence. Algorithms developed to predict the effect of missense changes on protein structure and function are either unavailable or do not agree on the potential impact of this missense change. The variant allele was found at a frequency of 0.00025 in 251128 control chromosomes, predominantly at a frequency of 0.0034 within the East Asian subpopulation in the gnomAD database. The observed variant frequency within East Asian control individuals in the gnomAD database exceeds the estimated maximal expected allele frequency for disease-causing variants in FBN2. To our knowledge, no occurrence of c.3655A>G in individuals affected with FBN2-related conditions and no experimental evidence demonstrating its impact on protein function have been reported. ClinVar contains an entry for this variant (Variation ID: 350778). Based on the evidence outlined above, the variant was classified as likely benign.

Blueprint Genetics
Classification: Likely benign. Last evaluated: 2024-06-18. Review status: criteria provided, single submitter. Criteria: ACMG Guidelines, 2015. Collection method: clinical testing. Allele origin: germline.

GeneDx
Classification: Likely benign. Last evaluated: 2021-06-24. Review status: criteria provided, single submitter. Criteria: GeneDx Variant Classification Process June 2021. Collection method: clinical testing. Allele origin: germline. Affected: yes.

Genome Diagnostics Laboratory, The Hospital for Sick Children
Classification: Likely benign for Ehlers-Danlos syndrome. Last evaluated: 2020-05-01. Review status: criteria provided, single submitter. Criteria: ACMG Guidelines, 2015. Collection method: clinical testing. Allele origin: germline.

Ambry Genetics
Classification: Likely benign for Familial thoracic aortic aneurysm and aortic dissection. Last evaluated: 2019-04-17. Review status: criteria provided, single submitter. Criteria: Ambry Variant Classification Scheme 2023. Collection method: clinical testing. Allele origin: germline.

Illumina Laboratory Services, Illumina
Classification: Benign for Congenital contractural arachnodactyly. Last evaluated: 2018-01-13. Review status: criteria provided, single submitter. Criteria: ICSL Variant Classification Criteria 13 December 2019. Collection method: clinical testing. Allele origin: germline.
Comment: This variant was observed in the ICSL laboratory as part of a predisposition screen in an ostensibly healthy population. It had not been previously curated by ICSL or reported in the Human Gene Mutation Database (HGMD: prior to June 1st, 2018), and was therefore a candidate for classification through an automated scoring system. Utilizing variant allele frequency, disease prevalence and penetrance estimates, and inheritance mode, an automated score was calculated to assess if this variant is too frequent to cause the disease. Based on the score and internal cut-off values, a variant classified as benign is not then subjected to further curation. The score for this variant resulted in a classification of benign for this disease.

NM_001999.4(FBN2):c.3655A>G (p.Met1219Val)

Gene: FBN2 (fibrillin 2; minus strand). Cytogenetic location: 5q23.3.
Variant type: single nucleotide variant.
Coding change: c.3655A>G on transcript NM_001999.4 (MANE Select); coding-DNA position 3655, A replaced by G.
Protein change: p.Met1219Val; replaces methionine 1219 with valine.
Molecular consequence: missense variant.
Genome position (GRCh38, 1-based): chr5:128,336,057, T>C on the plus strand (A>G on the coding strand, the complement: FBN2 is on the minus strand). VCF-style: chr5-128336057-T-C. GRCh37 (hg19) VCF-style: chr5-127671749-T-C.
Other names: short protein forms M1219V.
Identifiers: ClinVar variation 350778 (VCV000350778.23), dbSNP rs201288931, ClinGen allele CA3395174.